The following is an entry in ClinVar:

ClinVar aggregate classification (germline): Pathogenic (1 of 4 stars; one submission).

Submission:

Labcorp Genetics (formerly Invitae), Labcorp
Classification: Pathogenic. Last evaluated: 2022-10-25. Review status: criteria provided, single submitter. Criteria: Invitae Variant Classification Sherloc (09022015). Collection method: clinical testing. Allele origin: germline.
Comment: For these reasons, this variant has been classified as Pathogenic. ClinVar contains an entry for this variant (Variation ID: 1452704). This premature translational stop signal has been observed in individual(s) with clinical features of autosomal recessive ichthyosis, spastic quadriplegia, and intellectual disability (PMID: 33652762). This variant is not present in population databases (gnomAD no frequency). This sequence change creates a premature translational stop signal (p.Ile146Tyrfs*29) in the ELOVL4 gene. It is expected to result in an absent or disrupted protein product. Loss-of-function variants in ELOVL4 are known to be pathogenic (PMID: 24571530).

Literature cited by the submitters: PubMed 33652762; PubMed 24571530.

NM_022726.4(ELOVL4):c.435dup (p.Ile146fs)

Gene: ELOVL4 (ELOVL fatty acid elongase 4; minus strand). Cytogenetic location: 6q14.1.
Variant type: Duplication.
Coding change: c.435dup on transcript NM_022726.4 (MANE Select); coding-DNA position 435, one base duplicated (T; older notation c.435dupT).
Protein change: p.Ile146fs; shifts the reading frame from isoleucine 146.
Molecular consequence: frameshift variant.
Genome position (GRCh38, 1-based): chr6:79,921,731, A duplicated on the plus strand (T on the coding strand, the reverse complement: ELOVL4 is on the minus strand); the first of 6 consecutive A bases (chr6:79,921,731-79,921,736); duplicating any one gives the same sequence. VCF-style (leftmost placement, unchanged base first): chr6-79921730-T-TA. GRCh37 (hg19) VCF-style: chr6-80631447-T-TA.
Other names: short protein forms I146fs.
Identifiers: ClinVar variation 1452704 (VCV001452704.6), dbSNP rs769438485, ClinGen allele CA1640824991.
Genomic context (GRCh38, chr6:79,921,730, plus strand): 5'-ACATCGTACAGTGATGATACACATGAAGGAAAGAAACTTGGTTGTTTTTCTTTCTCAGAA[T>TA]AAAAAACACTGTGTCCAAATACTCAACTCCTTTAGATACAAAGTACCACCACAGAGCAGC-3'